The following is an entry in ClinVar:

ClinVar aggregate classification (germline): Uncertain significance (1 of 4 stars; one submission).

Conditions:
Epidermolysis bullosa simplex 3, localized or generalized intermediate, with BP230 deficiency (EBS3). Also called: Epidermolysis bullosa simplex due to BP230 deficiency; Epidermolysis bullosa simplex, autosomal recessive 2. Identifiers: Orphanet 412181, MedGen C3809470, MONDO:0014180, OMIM 615425.
Hereditary sensory and autonomic neuropathy type 6. Also called: Neuropathy, hereditary sensory and autonomic, type VI; HSAN VI. Identifiers: Orphanet 314381, MedGen C3539003, MONDO:0013839, OMIM 614653.

Allele frequency attached by ClinVar (database versions not stated): TOPMed below 0.00001.

Submission:

Labcorp Genetics (formerly Invitae), Labcorp
Classification: Uncertain significance for Epidermolysis bullosa simplex 3, localized or generalized intermediate, with BP230 deficiency; Hereditary sensory and autonomic neuropathy type 6. Last evaluated: 2022-07-12. Review status: criteria provided, single submitter. Criteria: Invitae Variant Classification Sherloc (09022015). Collection method: clinical testing. Allele origin: germline.
Comment: Algorithms developed to predict the effect of missense changes on protein structure and function (SIFT, PolyPhen-2, Align-GVGD) all suggest that this variant is likely to be tolerated. In summary, the available evidence is currently insufficient to determine the role of this variant in disease. Therefore, it has been classified as a Variant of Uncertain Significance. ClinVar contains an entry for this variant (Variation ID: 1500721). This sequence change replaces asparagine, which is neutral and polar, with serine, which is neutral and polar, at codon 2073 of the DST protein (p.Asn2073Ser). This variant is not present in population databases (gnomAD no frequency). This variant has not been reported in the literature in individuals affected with DST-related conditions.

NM_001723.7(DST):c.6218A>G (p.Asn2073Ser)

Gene: DST (dystonin; minus strand). Cytogenetic location: 6p12.1.
Variant type: single nucleotide variant.
Coding change: c.6218A>G on transcript NM_001723.7 (MANE Plus Clinical); coding-DNA position 6218, A replaced by G.
Protein change: p.Asn2073Ser; replaces asparagine 2073 with serine.
Molecular consequence: missense variant. On other transcripts: intron variant (10).
Genome position (GRCh38, 1-based): chr6:56,617,249, T>C on the plus strand (A>G on the coding strand, the complement: DST is on the minus strand). VCF-style: chr6-56617249-T-C. GRCh37 (hg19) VCF-style: chr6-56482047-T-C.
Other names: c.4831-2765A>G (NM_001144769.5); c.4930-2765A>G (NM_001374722.1, NM_001374736.1); c.4957-2765A>G (NM_001374734.1); c.4417-2765A>G (NM_001144770.2); c.4297-2765A>G (NM_001374730.1, NM_001386100.1, NM_183380.4 and 1 more transcripts); c.3319-2765A>G (NM_015548.5); short protein forms N2073S.
Identifiers: ClinVar variation 1500721 (VCV001500721.8), dbSNP rs1239802719, ClinGen allele CA364565612.